The following is an entry in ClinVar:

NM_130810.4(DNAAF4):c.271+5G>A

Genes: DNAAF4 (dynein axonemal assembly factor 4; minus strand), DNAAF4-CCPG1 (DNAAF4-CCPG1 readthrough (NMD candidate); minus strand). Cytogenetic location: 15q21.3.
Variant type: single nucleotide variant.
Coding change: c.271+5G>A on transcript NM_130810.4 (MANE Select); 5 bases into the intron after coding-DNA position 271, G replaced by A.
Molecular consequence: intron variant.
Genome position (GRCh38, 1-based): chr15:55,497,707, C>T on the plus strand (G>A on the coding strand, the complement: DNAAF4 is on the minus strand). VCF-style: chr15-55497707-C-T. GRCh37 (hg19) VCF-style: chr15-55789905-C-T.
Other names: c.271+5G>A (NM_001033560.2, NM_001033559.3).
Identifiers: ClinVar variation 2151338 (VCV002151338.4), dbSNP rs1361745223, ClinGen allele CA490435291.
Genomic context (GRCh38, chr15:55,497,707, plus strand): 5'-ATTTTTTAAAAGGTCTGAAACCGAAAAGGTACAACCAGATGAACATCTTTTAATAAAGAA[C>T]TTACCACCCGTCACAGAAAGGGTCTCCCACATGGCCGCTTCTTTTTTATACAAGGTGAAG-3'

ClinVar aggregate classification (germline): Uncertain significance (1 of 4 stars; one submission).

Allele frequency attached by ClinVar (database versions not stated): gnomAD exomes 0.00001.
gnomAD v4.1: 7 of 1,598,826 alleles (0.00044%); highest among the groups gnomAD compares: East Asian, 0.0022%; no homozygotes.

Submission:

Labcorp Genetics (formerly Invitae), Labcorp
Classification: Uncertain significance. Last evaluated: 2024-02-24. Review status: criteria provided, single submitter. Criteria: Invitae Variant Classification Sherloc (09022015). Collection method: clinical testing. Allele origin: germline.
Comment: This sequence change falls in intron 3 of the DNAAF4 gene. It does not directly change the encoded amino acid sequence of the DNAAF4 protein. It affects a nucleotide within the consensus splice site. This variant is present in population databases (no rsID available, gnomAD 0.006%). This variant has not been reported in the literature in individuals affected with DNAAF4-related conditions. ClinVar contains an entry for this variant (Variation ID: 2151338). Variants that disrupt the consensus splice site are a relatively common cause of aberrant splicing (PMID: 17576681, 9536098). Algorithms developed to predict the effect of sequence changes on RNA splicing suggest that this variant may disrupt the consensus splice site. In summary, the available evidence is currently insufficient to determine the role of this variant in disease. Therefore, it has been classified as a Variant of Uncertain Significance.

Literature cited by the submitters: PubMed 17576681; PubMed 9536098.